The following is an entry in ClinVar:

NM_000143.4(FH):c.1478del (p.Thr493fs)

Gene: FH (fumarate hydratase; minus strand). Cytogenetic location: 1q43.
Variant type: Deletion.
Coding change: c.1478del on transcript NM_000143.4 (MANE Select); coding-DNA position 1478, one base deleted (C; older notation c.1478delC).
Protein change: p.Thr493fs; shifts the reading frame from threonine 493.
Molecular consequence: frameshift variant.
Genome position (GRCh38, 1-based): chr1:241,497,883, G deleted on the plus strand (C on the coding strand, the reverse complement: FH is on the minus strand). VCF-style (leftmost placement, unchanged base first): chr1-241497882-TG-T. GRCh37 (hg19) VCF-style: chr1-241661182-TG-T.
Other names: c.1478delC (NM_000143.3); short protein forms T493fs.
Identifiers: ClinVar variation 1387156 (VCV001387156.8), dbSNP rs2147911225, ClinGen allele CA2573132905.
Genomic context (GRCh38, chr1:241,497,882, plus strand): 5'-TGTAAATCACTTTGGACCCAGCATGTCCTTAGGTTTTACCCATTCGTCAAACTGCTCTGC[TG>T]TGAGATAGCCAAGTTCGATAGCAGTTTCCTTTAAGGTTGATCCATTTTTGTGTGCTGTCT-3'

ClinVar aggregate classification (germline): Pathogenic/Likely pathogenic. Review status: criteria provided, multiple submitters, no conflicts (2 of 4 stars). 3 submissions from 3 submitters: Pathogenic (2); Likely pathogenic (1). Last evaluated 2025-07-01.

Conditions:
Hereditary cancer-predisposing syndrome. Also called: Tumor predisposition; Hereditary Cancer Syndrome; Hereditary neoplastic syndrome; Neoplastic Syndromes, Hereditary. Identifiers: Orphanet 140162, MedGen C0027672, MeSH D009386, MONDO:0015356.
Hereditary leiomyomatosis and renal cell cancer. Also called: Familial leiomyomatosis; MULTIPLE CUTANEOUS AND UTERINE LEIOMYOMATA 1, WITH OR WITHOUT RENAL CELL CARCINOMA; LEIOMYOMA, MULTIPLE CUTANEOUS; FH tumor predisposition syndrome; Multiple cutaneous leiomyomas; Reed syndrome. Identifiers: Orphanet 523, MedGen C1708350, MONDO:0007888, OMIM 150800, HP:0007437. Disease mechanism: loss of function.

Submissions (3):

Ambry Genetics
Classification: Pathogenic for Hereditary cancer-predisposing syndrome. Last evaluated: 2025-07-01. Review status: criteria provided, single submitter. Criteria: Ambry Variant Classification Scheme 2023. Collection method: clinical testing. Allele origin: germline.
Comment: The c.1478delC pathogenic mutation, located in coding exon 10 of the FH gene, results from a deletion of one nucleotide at nucleotide position 1478, causing a translational frameshift with a predicted alternate stop codon (p.T493Kfs*9). This alteration occurs at the 3' terminus of theFH gene, is not expected to trigger nonsense-mediated mRNA decay, and impacts the last 3% of the protein. However, premature stop codons are typically deleterious in nature and the impacted region is critical for protein function (Ambry internal data). This variant was reported in individual(s) with features consistent with hereditary leiomyomatosis and renal cell cancer (Ambry internal data). This variant is considered to be rare based on population cohorts in the Genome Aggregation Database (gnomAD). Based on the supporting evidence, this variant is interpreted as a disease-causing mutation.

Labcorp Genetics (formerly Invitae), Labcorp
Classification: Pathogenic. Last evaluated: 2024-05-14. Review status: criteria provided, single submitter. Criteria: Invitae Variant Classification Sherloc (09022015). Collection method: clinical testing. Allele origin: germline.
Comment: This sequence change creates a premature translational stop signal (p.Thr493Lysfs*9) in the FH gene. While this is not anticipated to result in nonsense mediated decay, it is expected to disrupt the last 18 amino acid(s) of the FH protein. This variant is not present in population databases (gnomAD no frequency). This variant has not been reported in the literature in individuals affected with FH-related conditions. ClinVar contains an entry for this variant (Variation ID: 1387156). This variant disrupts a region of the FH protein in which other variant(s) (p.Trp500*) have been determined to be pathogenic (PMID: 9635293). This suggests that this is a clinically significant region of the protein, and that variants that disrupt it are likely to be disease-causing. For these reasons, this variant has been classified as Pathogenic.

Myriad Genetics, Inc.
Classification: Likely pathogenic for Hereditary leiomyomatosis and renal cell cancer. Last evaluated: 2023-11-20. Review status: criteria provided, single submitter. Criteria: Myriad Autosomal Dominant, Autosomal Recessive and X-Linked Classification Criteria (2023). Collection method: clinical testing. Allele origin: unknown.
Comment: This variant is considered likely pathogenic. This variant creates a frameshift predicted to result in premature protein truncation.

Literature cited by the submitters: PubMed 9635293 (cited by Labcorp Genetics (formerly Invitae), Labcorp).